The following is an entry in ClinVar:

NM_001134831.2(AHI1):c.2369A>G (p.Asn790Ser)

Gene: AHI1 (Abelson helper integration site 1; minus strand). Cytogenetic location: 6q23.3.
Variant type: single nucleotide variant.
Coding change: c.2369A>G on transcript NM_001134831.2 (MANE Select); coding-DNA position 2369, A replaced by G.
Protein change: p.Asn790Ser; replaces asparagine 790 with serine.
Molecular consequence: missense variant.
Genome position (GRCh38, 1-based): chr6:135,431,212, T>C on the plus strand (A>G on the coding strand, the complement: AHI1 is on the minus strand). VCF-style: chr6-135431212-T-C. GRCh37 (hg19) VCF-style: chr6-135752350-T-C.
Other names: c.2369A>G, p.Asn790Ser (NM_001134830.2, NM_001134832.2, NM_001350503.2 and 2 more transcripts); short protein forms N790S.
Identifiers: ClinVar variation 1439919 (VCV001439919.6), dbSNP rs1181424358, ClinGen allele CA365743108.

ClinVar aggregate classification (germline): Uncertain significance (1 of 4 stars; one submission).

Conditions:
Joubert syndrome. Also called: CEREBELLOPARENCHYMAL DISORDER IV; JOUBERT-BOLTSHAUSER SYNDROME; Familial aplasia of the vermis. Identifiers: Orphanet 475, MedGen C5979921, MONDO:0018772.

Allele frequency attached by ClinVar (database versions not stated): TOPMed below 0.00001; gnomAD 0.00001.
gnomAD v4.1: 1 of 1,570,554 alleles (0.000064%); highest among the groups gnomAD compares: Non-Finnish European, 0.000087%; no homozygotes.

Submission:

Labcorp Genetics (formerly Invitae), Labcorp
Classification: Uncertain significance for Joubert syndrome. Last evaluated: 2021-10-08. Review status: criteria provided, single submitter. Criteria: Invitae Variant Classification Sherloc (09022015). Collection method: clinical testing. Allele origin: germline.
Comment: In summary, the available evidence is currently insufficient to determine the role of this variant in disease. Therefore, it has been classified as a Variant of Uncertain Significance. Algorithms developed to predict the effect of sequence changes on RNA splicing suggest that this variant may create or strengthen a splice site. Advanced modeling of protein sequence and biophysical properties (such as structural, functional, and spatial information, amino acid conservation, physicochemical variation, residue mobility, and thermodynamic stability) performed at Invitae indicates that this missense variant is not expected to disrupt AHI1 protein function. This variant has not been reported in the literature in individuals affected with AHI1-related conditions. This variant is not present in population databases (ExAC no frequency). This sequence change replaces asparagine with serine at codon 790 of the AHI1 protein (p.Asn790Ser). The asparagine residue is moderately conserved and there is a small physicochemical difference between asparagine and serine.